The following is an entry in ClinVar:

NM_003919.3(SGCE):c.110-9534T>C

Gene: SGCE (sarcoglycan epsilon; minus strand). Cytogenetic location: 7q21.3.
Variant type: single nucleotide variant.
Coding change: c.110-9534T>C on transcript NM_003919.3 (MANE Select); 9534 bases into the intron before coding-DNA position 110, T replaced by C.
Molecular consequence: intron variant. On other transcripts: synonymous variant (2), 5 prime UTR variant (2).
Genome position (GRCh38, 1-based): chr7:94,639,375, A>G on the plus strand (T>C on the coding strand, the complement: SGCE is on the minus strand). VCF-style: chr7-94639375-A-G. GRCh37 (hg19) VCF-style: chr7-94268687-A-G.
Other names: c.183T>C, p.Ile61= (NM_001346713.2, NM_001346715.2); c.-13T>C (NM_001346719.2, NM_001362807.2); c.110-11016T>C (NM_001362809.2, NM_001301139.2); c.110-9534T>C (NM_001346717.2, NM_001099400.2, NM_001099401.2); c.-165+5231T>C (NM_001362808.2, NM_001346720.2).
Identifiers: ClinVar variation 3898326 (VCV003898326.7).
Genomic context (GRCh38, chr7:94,639,375, plus strand): 5'-GATTTAGATTTACAACCTAAACTCACCATCTTTCATCCCAGCAGCCATTTTTCTGCTGAT[A>G]ATAAAATTGTTGGCCTGTCTGGTCTTCCAGTTAACTGTTCCATTTATGCCATCAGCACAG-3'

ClinVar aggregate classification (germline): Likely benign (1 of 4 stars; one submission).

gnomAD v4.1: 43 of 1,535,230 alleles (0.0028%); highest among the groups gnomAD compares: Non-Finnish European, 0.0037%; no homozygotes.

Submission:

CeGaT Center for Human Genetics Tuebingen
Classification: Likely benign. Last evaluated: 2025-04-01. Review status: criteria provided, single submitter. Criteria: CeGaT Center For Human Genetics Tuebingen Variant Classification Criteria Version 2. Collection method: clinical testing. Allele origin: germline. Affected: yes. Observed: 1 variant allele.
Comment: SGCE: BP4